The following is an entry in ClinVar:

ClinVar aggregate classification (germline): Uncertain significance (1 of 4 stars; one submission).

Submission:

Labcorp Genetics (formerly Invitae), Labcorp
Classification: Uncertain significance. Last evaluated: 2024-02-01. Review status: criteria provided, single submitter. Criteria: Invitae Variant Classification Sherloc (09022015). Collection method: clinical testing. Allele origin: germline.
Comment: This sequence change replaces glycine, which is neutral and non-polar, with glutamic acid, which is acidic and polar, at codon 505 of the SLC44A4 protein (p.Gly505Glu). This variant is present in population databases (rs746745881, gnomAD 0.003%). This variant has not been reported in the literature in individuals affected with SLC44A4-related conditions. Advanced modeling of protein sequence and biophysical properties (such as structural, functional, and spatial information, amino acid conservation, physicochemical variation, residue mobility, and thermodynamic stability) performed at Invitae indicates that this missense variant is expected to disrupt SLC44A4 protein function with a positive predictive value of 80%. In summary, the available evidence is currently insufficient to determine the role of this variant in disease. Therefore, it has been classified as a Variant of Uncertain Significance.

NM_025257.3(SLC44A4):c.1514G>A (p.Gly505Glu)

Gene: SLC44A4 (solute carrier family 44 member 4; minus strand). Cytogenetic location: 6p21.33.
Variant type: single nucleotide variant.
Coding change: c.1514G>A on transcript NM_025257.3 (MANE Select); coding-DNA position 1514, G replaced by A.
Protein change: p.Gly505Glu; replaces glycine 505 with glutamic acid.
Molecular consequence: missense variant.
Genome position (GRCh38, 1-based): chr6:31,865,758, C>T on the plus strand (G>A on the coding strand, the complement: SLC44A4 is on the minus strand). VCF-style: chr6-31865758-C-T. GRCh37 (hg19) VCF-style: chr6-31833535-C-T.
Other names: c.1388G>A, p.Gly463Glu (NM_001178044.2); c.1286G>A, p.Gly429Glu (NM_001178045.2); short protein forms G429E, G505E, G463E.
Identifiers: ClinVar variation 3638150 (VCV003638150.2).
Genomic context (GRCh38, chr6:31,865,758, plus strand): 5'-TTGTGGTCAATATACTCCAAGATGACCCGGGCTATCTGCACAAGGGTCAGGATGAGGGCT[C>T]CAAATGCCAATGACCCAGTGTGGTAACTGCAGAGGGTGTTATGCAGTCAGAGACAGCTCC-3'
Protein context (NP_079533.2, residues 495-515): LRYHTGSLAF[Gly505Glu]ALILTLVQIA